The following is an entry in ClinVar:

NM_000077.5(CDKN2A):c.121C>G (p.Pro41Ala)

Gene: CDKN2A (cyclin dependent kinase inhibitor 2A; minus strand). Cytogenetic location: 9p21.3.
Variant type: single nucleotide variant.
Coding change: c.121C>G on transcript NM_000077.5; coding-DNA position 121, C replaced by G.
Protein change: p.Pro41Ala; replaces proline 41 with alanine.
Molecular consequence: missense variant (on NM_000077.6). On other transcripts: intron variant (2).
Genome position (GRCh38, 1-based): chr9:21,974,707, G>C on the plus strand (C>G on the coding strand, the complement: CDKN2A is on the minus strand). VCF-style: chr9-21974707-G-C. GRCh37 (hg19) VCF-style: chr9-21974706-G-C.
Other names: c.121C>G, p.Pro41Ala (NM_000077.6, NM_001195132.2, NM_058197.5); c.-3-3499C>G (NM_001363763.2); c.194-3499C>G (NM_058195.4); short protein forms P41A.
Identifiers: ClinVar variation 406713 (VCV000406713.19), dbSNP rs765321737, ClinGen allele CA5012312.
Genomic context (GRCh38, chr9:21,974,707, plus strand): 5'-CCCCTGCTCCCGCTGCAGACCCTCTACCCACCTGGATCGGCCTCCGACCGTAACTATTCG[G>C]TGCGTTGGGCAGCGCCCCCGCCTCCAGCAGCGCCCGCACCTCCTCTACCCGACCCCGGGC-3'
Protein context (NP_000068.1, residues 31-51): LLEAGALPNA[Pro41Ala]NSYGRRPIQV

ClinVar aggregate classification (germline): Uncertain significance. Review status: criteria provided, multiple submitters, no conflicts (2 of 4 stars). 4 submissions from 4 submitters: Uncertain significance (4). Last evaluated 2026-01-16.

Conditions:
Hereditary cancer-predisposing syndrome. Also called: Neoplastic Syndromes, Hereditary; Tumor predisposition; Hereditary Cancer Syndrome; Hereditary neoplastic syndrome. Identifiers: Orphanet 140162, MedGen C0027672, MeSH D009386, MONDO:0015356.
Familial melanoma. Also called: Hereditary melanoma; Hereditary cutaneous melanoma. Identifiers: Orphanet 618, MedGen C1512419, MONDO:0018961.

Allele frequency attached by ClinVar (database versions not stated): gnomAD exomes below 0.00001; TOPMed below 0.00001; ExAC 0.00001; gnomAD 0.00001.
gnomAD v4.1: 2 of 1,612,966 alleles (0.00012%); highest among the groups gnomAD compares: African/African-American, 0.0027%; no homozygotes.

Submissions (4):

Labcorp Genetics (formerly Invitae), Labcorp
Classification: Uncertain significance for Familial melanoma. Last evaluated: 2026-01-16. Review status: criteria provided, single submitter. Criteria: Invitae Variant Classification Sherloc (09022015). Collection method: clinical testing. Allele origin: germline.
Comment: This sequence change replaces proline, which is neutral and non-polar, with alanine, which is neutral and non-polar, at codon 41 of the CDKN2A (p16INK4a) protein (p.Pro41Ala). This variant is present in population databases (rs765321737, gnomAD 0.009%). This variant has not been reported in the literature in individuals affected with CDKN2A (p16INK4a)-related conditions. ClinVar contains an entry for this variant (Variation ID: 406713). An algorithm developed to predict the effect of missense changes on protein structure and function (PolyPhen-2) suggests that this variant is likely to be tolerated. In summary, the available evidence is currently insufficient to determine the role of this variant in disease. Therefore, it has been classified as a Variant of Uncertain Significance.

Ambry Genetics
Classification: Uncertain significance for Hereditary cancer-predisposing syndrome. Last evaluated: 2024-09-24. Review status: criteria provided, single submitter. Criteria: Ambry Variant Classification Scheme 2023. Collection method: clinical testing. Allele origin: germline.
Comment: The p.P41A variant (also known as c.121C>G), located in coding exon 1 of the CDKN2A gene, results from a C to G substitution at nucleotide position 121. The proline at codon 41 is replaced by alanine, an amino acid with highly similar properties. This amino acid position is not well conserved in available vertebrate species. In addition, this alteration is predicted to be tolerated by in silico analysis. Based on the available evidence, the clinical significance of this variant remains unclear.

GeneDx
Classification: Uncertain significance. Last evaluated: 2020-03-09. Review status: criteria provided, single submitter. Criteria: GeneDx Variant Classification Process June 2021. Collection method: clinical testing. Allele origin: germline. Affected: yes.
Comment: Has not been previously published as pathogenic or benign to our knowledge; In silico analysis supports that this missense variant does not alter protein structure/function

Color Diagnostics, LLC DBA Color Health
Classification: Uncertain significance for Hereditary cancer-predisposing syndrome. Last evaluated: 2018-06-13. Review status: criteria provided, single submitter. Criteria: ACMG Guidelines, 2015. Collection method: clinical testing. Allele origin: germline.